The following is an entry in ClinVar:

ClinVar aggregate classification (germline): Uncertain significance. Review status: criteria provided, multiple submitters, no conflicts (2 of 4 stars). 7 submissions from 7 submitters: Uncertain significance (6). 1 of the submissions does not count toward it. Last evaluated 2026-01-07.

Conditions:
Hereditary cancer-predisposing syndrome. Also called: Hereditary Cancer Syndrome; Tumor predisposition; Neoplastic Syndromes, Hereditary; Hereditary neoplastic syndrome. Identifiers: Orphanet 140162, MedGen C0027672, MeSH D009386, MONDO:0015356.
Familial cancer of breast. Also called: hereditary breast carcinoma; BREAST CANCER, FAMILIAL; Hereditary breast cancer. Identifiers: Orphanet 227535, MedGen C0346153, MONDO:0016419, OMIM 114480. Disease mechanism: loss of function.
Ataxia-telangiectasia syndrome (AT). Also called: ATAXIA-TELANGIECTASIA, COMPLEMENTATION GROUP A; ATAXIA-TELANGIECTASIA, FRESNO VARIANT; Ataxia-telangiectasia; Ataxia-telangiectasia, complementation group E; Cerebello-oculocutaneous telangiectasia; Immunodeficiency with ataxia telangiectasia. Identifiers: Orphanet 100, MedGen C0004135, MONDO:0008840, OMIM 208900.

Allele frequency attached by ClinVar (database versions not stated): TOPMed 0.00002; ExAC 0.00002.
gnomAD v4.1: 22 of 1,610,614 alleles (0.0014%); highest among the groups gnomAD compares: South Asian, 0.0022%; no homozygotes.

Submissions (7):

Labcorp Genetics (formerly Invitae), Labcorp
Classification: Uncertain significance for Ataxia-telangiectasia syndrome. Last evaluated: 2026-01-07. Review status: criteria provided, single submitter. Criteria: Invitae Variant Classification Sherloc (09022015). Collection method: clinical testing. Allele origin: germline.
Comment: This sequence change replaces glutamine, which is neutral and polar, with arginine, which is basic and polar, at codon 2108 of the ATM protein (p.Gln2108Arg). This variant is present in population databases (rs773891864, gnomAD 0.004%). This missense change has been observed in individual(s) with prostate cancer (PMID: 33436325). ClinVar contains an entry for this variant (Variation ID: 184258). Invitae Evidence Modeling of protein sequence and biophysical properties (such as structural, functional, and spatial information, amino acid conservation, physicochemical variation, residue mobility, and thermodynamic stability) indicates that this missense variant is not expected to disrupt ATM protein function with a negative predictive value of 95%. In summary, the available evidence is currently insufficient to determine the role of this variant in disease. Therefore, it has been classified as a Variant of Uncertain Significance.

Ambry Genetics
Classification: Uncertain significance for Hereditary cancer-predisposing syndrome. Last evaluated: 2025-07-30. Review status: criteria provided, single submitter. Criteria: Ambry Variant Classification Scheme 2023. Collection method: clinical testing. Allele origin: germline.
Comment: The p.Q2108R variant (also known as c.6323A>G), located in coding exon 42 of the ATM gene, results from an A to G substitution at nucleotide position 6323. The glutamine at codon 2108 is replaced by arginine, an amino acid with highly similar properties. This variant was reported in 1/5560 prostate cancer cases and in 0/3353 controls of European ancestry (Karlsson Q et al. Eur Urol Oncol, 2021 Aug;4:570-579). This variant was also identified in 1 of 1528 breast cancer cases and 1 of 3733 unaffected controls (Dumont M et al. Cancers (Basel), 2022 Jul;14). This amino acid position is highly conserved in available vertebrate species. In addition, this alteration is predicted to be deleterious by in silico analysis. Based on the available evidence, the clinical significance of this variant remains unclear.

Color Diagnostics, LLC DBA Color Health
Classification: Uncertain significance for Hereditary cancer-predisposing syndrome. Last evaluated: 2024-12-17. Review status: criteria provided, single submitter. Criteria: ACMG Guidelines, 2015. Collection method: clinical testing. Allele origin: germline.
Comment: This missense variant replaces glutamine with arginine at codon 2108 of the ATM protein. Computational prediction is inconclusive regarding the impact of this variant on protein structure and function. To our knowledge, functional studies have not been reported for this variant. This variant has not been reported in individuals affected with hereditary cancer in the literature. This variant has been identified in 5/250918 chromosomes in the general population by the Genome Aggregation Database (gnomAD). The available evidence is insufficient to determine the role of this variant in disease conclusively. Therefore, this variant is classified as a Variant of Uncertain Significance.

GeneDx
Classification: Uncertain significance. Last evaluated: 2024-04-16. Review status: criteria provided, single submitter. Criteria: GeneDx Variant Classification Process June 2021. Collection method: clinical testing. Allele origin: germline. Affected: yes.
Comment: Not observed at significant frequency in large population cohorts (gnomAD); In silico analysis supports that this missense variant does not alter protein structure/function; Observed in an individual with prostate cancer and absent in controls (PMID: 33436325); This variant is associated with the following publications: (PMID: 23532176, 33436325)

Baylor Genetics
Classification: Uncertain significance for Familial cancer of breast. Last evaluated: 2023-07-10. Review status: criteria provided, single submitter. Criteria: ACMG Guidelines, 2015. Collection method: clinical testing. Allele origin: unknown.

Blueprint Genetics
Classification: Uncertain significance. Last evaluated: 2018-03-02. Review status: criteria provided, single submitter. Criteria: ACMG Guidelines, 2015. Collection method: clinical testing. Allele origin: germline.

Natera, Inc.
Classification: Uncertain significance for Ataxia-telangiectasia. Last evaluated: 2020-09-16. Review status: no assertion criteria provided. Collection method: clinical testing. Allele origin: germline. Not counted in ClinVar's aggregate classification.

Literature cited by the submitters: PubMed 33436325 (cited by Labcorp Genetics (formerly Invitae), Labcorp and Ambry Genetics); PubMed 35884425 (cited by Ambry Genetics).

NM_000051.4(ATM):c.6323A>G (p.Gln2108Arg)

Genes: ATM (ATM serine/threonine kinase; plus strand), C11orf65 (chromosome 11 open reading frame 65; minus strand). Cytogenetic location: 11q22.3.
Variant type: single nucleotide variant.
Coding change: c.6323A>G on transcript NM_000051.4 (MANE Select); coding-DNA position 6323, A replaced by G.
Protein change: p.Gln2108Arg; replaces glutamine 2108 with arginine.
Molecular consequence: missense variant. On other transcripts: intron variant (2).
Genome position (GRCh38, 1-based): chr11:108,317,497, A>G. VCF-style: chr11-108317497-A-G. GRCh37 (hg19) VCF-style: chr11-108188224-A-G.
Other names: c.6323A>G, p.Gln2108Arg (NM_001351834.2); c.641-8426T>C (NM_001330368.2); c.*39-8426T>C (NM_001351110.2); short protein forms Q2108R.
Identifiers: ClinVar variation 184258 (VCV000184258.27), dbSNP rs773891864, ClinGen allele CA188402.
Genomic context (GRCh38, chr11:108,317,497, plus strand): 5'-ATAAAGACTGGTGTCCTGAACTAGAAGAACTTCATTACCAAGCAGCATGGAGGAATATGC[A>G]GTGGGACCATTGCACTTCCGTCAGGTAAGAAATTTGACTTGATTTTTTTTTTTTTGCCTC-3'
Protein context (NP_000042.3, residues 2098-2118): LHYQAAWRNM[Gln2108Arg]WDHCTSVSKE